The following is an entry in ClinVar:

ClinVar aggregate classification (germline): Uncertain significance. Review status: criteria provided, multiple submitters, no conflicts (2 of 4 stars). 2 submissions from 2 submitters: Uncertain significance (2). Last evaluated 2025-05-08.

Conditions:
Inborn genetic diseases. Identifiers: MedGen C0950123, MeSH D030342.

Submissions (2):

Labcorp Genetics (formerly Invitae), Labcorp
Classification: Uncertain significance. Last evaluated: 2025-05-08. Review status: criteria provided, single submitter. Criteria: Invitae Variant Classification Sherloc (09022015). Collection method: clinical testing. Allele origin: germline.
Comment: This sequence change replaces cysteine, which is neutral and slightly polar, with tyrosine, which is neutral and polar, at codon 671 of the ATR protein (p.Cys671Tyr). This variant is not present in population databases (gnomAD no frequency). This variant has not been reported in the literature in individuals affected with ATR-related conditions. ClinVar contains an entry for this variant (Variation ID: 1784434). An algorithm developed to predict the effect of missense changes on protein structure and function (PolyPhen-2) suggests that this variant is likely to be disruptive. In summary, the available evidence is currently insufficient to determine the role of this variant in disease. Therefore, it has been classified as a Variant of Uncertain Significance.

Ambry Genetics
Classification: Uncertain significance for Inborn genetic diseases. Last evaluated: 2024-07-02. Review status: criteria provided, single submitter. Criteria: Ambry Variant Classification Scheme 2023. Collection method: clinical testing. Allele origin: germline.
Comment: The p.C671Y variant (also known as c.2012G>A), located in coding exon 9 of the ATR gene, results from a G to A substitution at nucleotide position 2012. The cysteine at codon 671 is replaced by tyrosine, an amino acid with highly dissimilar properties. This amino acid position is conserved. In addition, this alteration is predicted to be deleterious by in silico analysis. Since supporting evidence is limited at this time, the clinical significance of this alteration remains unclear.

NM_001184.4(ATR):c.2012G>A (p.Cys671Tyr)

Gene: ATR (ATR checkpoint kinase; minus strand). Cytogenetic location: 3q23.
Variant type: single nucleotide variant.
Coding change: c.2012G>A on transcript NM_001184.4 (MANE Select); coding-DNA position 2012, G replaced by A.
Protein change: p.Cys671Tyr; replaces cysteine 671 with tyrosine.
Molecular consequence: missense variant.
Genome position (GRCh38, 1-based): chr3:142,556,449, C>T on the plus strand (G>A on the coding strand, the complement: ATR is on the minus strand). VCF-style: chr3-142556449-C-T. GRCh37 (hg19) VCF-style: chr3-142275291-C-T.
Other names: c.1820G>A, p.Cys607Tyr (NM_001354579.2); short protein forms C671Y, C607Y.
Identifiers: ClinVar variation 1784434 (VCV001784434.4), dbSNP rs2473398439, ClinGen allele CA354819214.